The following is an entry in ClinVar:

ClinVar aggregate classification (germline): Uncertain significance (1 of 4 stars; one submission).

Allele frequency attached by ClinVar (database versions not stated): TOPMed below 0.00001.

Submission:

Labcorp Genetics (formerly Invitae), Labcorp
Classification: Uncertain significance. Last evaluated: 2022-02-28. Review status: criteria provided, single submitter. Criteria: Invitae Variant Classification Sherloc (09022015). Collection method: clinical testing. Allele origin: germline.
Comment: In summary, the available evidence is currently insufficient to determine the role of this variant in disease. Therefore, it has been classified as a Variant of Uncertain Significance. Algorithms developed to predict the effect of missense changes on protein structure and function output the following: SIFT: "Tolerated"; PolyPhen-2: "Benign"; Align-GVGD: "Class C0". The arginine amino acid residue is found in multiple mammalian species, which suggests that this missense change does not adversely affect protein function. This variant has not been reported in the literature in individuals affected with ARHGAP31-related conditions. This variant is not present in population databases (gnomAD no frequency). This sequence change replaces lysine, which is basic and polar, with arginine, which is basic and polar, at codon 1248 of the ARHGAP31 protein (p.Lys1248Arg).

NM_020754.4(ARHGAP31):c.3743A>G (p.Lys1248Arg)

Gene: ARHGAP31 (Rho GTPase activating protein 31; plus strand). Cytogenetic location: 3q13.33.
Variant type: single nucleotide variant.
Coding change: c.3743A>G on transcript NM_020754.4 (MANE Select); coding-DNA position 3743, A replaced by G.
Protein change: p.Lys1248Arg; replaces lysine 1248 with arginine.
Molecular consequence: missense variant.
Genome position (GRCh38, 1-based): chr3:119,415,672, A>G. VCF-style: chr3-119415672-A-G. GRCh37 (hg19) VCF-style: chr3-119134519-A-G.
Other names: short protein forms K1248R.
Identifiers: ClinVar variation 1913248 (VCV001913248.5), dbSNP rs2080769458, ClinGen allele CA354060447.